The following is an entry in ClinVar:

NM_001365276.2(TNXB):c.3832C>T (p.Arg1278Cys)

Gene: TNXB (tenascin XB; minus strand). Cytogenetic location: 6p21.33.
Variant type: single nucleotide variant.
Coding change: c.3832C>T on transcript NM_001365276.2 (MANE Select); coding-DNA position 3832, C replaced by T.
Protein change: p.Arg1278Cys; replaces arginine 1278 with cysteine.
Molecular consequence: missense variant.
Genome position (GRCh38, 1-based): chr6:32,081,578, G>A on the plus strand (C>T on the coding strand, the complement: TNXB is on the minus strand). VCF-style: chr6-32081578-G-A. GRCh37 (hg19) VCF-style: chr6-32049355-G-A.
Other names: c.3832C>T, p.Arg1278Cys (NM_019105.8); short protein forms R1278C.
Identifiers: ClinVar variation 1735361 (VCV001735361.8), dbSNP rs370069053, ClinGen allele CA3735095.

ClinVar aggregate classification (germline): Uncertain significance. Review status: criteria provided, multiple submitters, no conflicts (2 of 4 stars). 5 submissions from 5 submitters: Uncertain significance (5). Last evaluated 2026-08-07.

Conditions:
TNXB-related disorder. Also called: TNXB-related condition.
Cardiovascular phenotype. Identifiers: MedGen CN230736.

Allele frequency attached by ClinVar (database versions not stated): TOPMed 0.00003; gnomAD 0.00004; ExAC 0.00006; ESP Exome Variant Server 0.00016.
gnomAD v4.1: 72 of 1,603,050 alleles (0.0045%); highest among the groups gnomAD compares: Non-Finnish European, 0.0059%; no homozygotes.

Submissions (5):

PreventionGenetics, part of Exact Sciences
Classification: Uncertain significance for TNXB-related condition. Last evaluated: 2026-08-07. Review status: criteria provided, single submitter. Criteria: ACMG Guidelines, 2015. Collection method: clinical testing. Allele origin: germline.
Comment: The TNXB c.3832C>T variant is predicted to result in the amino acid substitution p.Arg1278Cys. To our knowledge, this variant has not been reported in the literature. This variant is reported in 0.0076% of alleles in individuals of European (Non-Finnish) descent in gnomAD. At this time, the clinical significance of this variant is uncertain due to the absence of conclusive functional and genetic evidence.

Women's Health and Genetics/Laboratory Corporation of America, LabCorp
Classification: Uncertain significance. Last evaluated: 2025-10-30. Review status: criteria provided, single submitter. Criteria: LabCorp Variant Classification Summary - May 2015. Collection method: clinical testing. Allele origin: germline.
Comment: Variant summary: TNXB c.3832C>T (p.Arg1278Cys) results in a non-conservative amino acid change in the encoded protein sequence. Algorithms developed to predict the effect of missense changes on protein structure and function are either unavailable or do not agree on the potential impact of this missense change. The variant allele was found at a frequency of 3.9e-05 in 232190 control chromosomes. The available data on variant occurrences in the general population are insufficient to allow any conclusion about variant significance. To our knowledge, no occurrence of c.3832C>T in individuals affected with TNXB-related conditions and no experimental evidence demonstrating its impact on protein function have been reported. ClinVar contains an entry for this variant (Variation ID: 1735361). Based on the evidence outlined above, the variant was classified as uncertain significance.

Ambry Genetics
Classification: Uncertain significance for Cardiovascular phenotype. Last evaluated: 2025-04-24. Review status: criteria provided, single submitter. Criteria: Ambry Variant Classification Scheme 2023. Collection method: clinical testing. Allele origin: germline.
Comment: The p.R1278C variant (also known as c.3832C>T), located in coding exon 9 of the TNXB gene, results from a C to T substitution at nucleotide position 3832. The arginine at codon 1278 is replaced by cysteine, an amino acid with highly dissimilar properties. This amino acid position is not well conserved in available vertebrate species. In addition, this alteration is predicted to be tolerated by in silico analysis. Since supporting evidence is limited at this time, the clinical significance of this alteration remains unclear.

Greenwood Genetic Center Diagnostic Laboratories, Greenwood Genetic Center
Classification: Uncertain significance. Last evaluated: 2024-08-23. Review status: criteria provided, single submitter. Criteria: ACMG Guidelines, 2015. Collection method: clinical testing. Allele origin: germline. Affected: yes.
Comment: PM2, BP4, PP2

GeneDx
Classification: Uncertain significance. Last evaluated: 2024-02-06. Review status: criteria provided, single submitter. Criteria: GeneDx Variant Classification Process June 2021. Collection method: clinical testing. Allele origin: germline. Affected: yes.
Comment: Has not been previously published as pathogenic or benign to our knowledge; At the protein level, in silico analysis supports that this missense variant has a deleterious effect on protein structure/function; At the mRNA level, in silico analysis suggests this variant may impact gene splicing. In the absence of RNA/functional studies, the actual effect of this sequence change is unknown.